The following is an entry in ClinVar:

NM_000392.5(ABCC2):c.*201C>T

Gene: ABCC2 (ATP binding cassette subfamily C member 2; plus strand). Cytogenetic location: 10q24.2.
Variant type: single nucleotide variant.
Coding change: c.*201C>T on transcript NM_000392.5 (MANE Select); 201 bases downstream of the stop codon, C replaced by T.
Molecular consequence: 3 prime UTR variant.
Genome position (GRCh38, 1-based): chr10:99,851,832, C>T. VCF-style: chr10-99851832-C-T. GRCh37 (hg19) VCF-style: chr10-101611589-C-T.
Identifiers: ClinVar variation 879535 (VCV000879535.5), dbSNP rs150176505, ClinGen allele CA212873161.

ClinVar aggregate classification (germline): Benign. Review status: criteria provided, multiple submitters, no conflicts (2 of 4 stars). 2 submissions from 2 submitters: Benign (2). Last evaluated 2018-01-12.

Conditions:
Dubin-Johnson syndrome (DJS). Also called: Jaundice, Chronic Idiopathic; Hyperbilirubinemia type 2; HYPERBILIRUBINEMIA, DUBIN-JOHNSON TYPE. Identifiers: Orphanet 234, MedGen C0022350, MONDO:0009380, OMIM 237500.

Allele frequency attached by ClinVar (database versions not stated): gnomAD exomes 0.00040; gnomAD 0.00313 and 0.00327; TOPMed 0.00347; 1000 Genomes Project 0.00439; 1000 Genomes Project 30x 0.00484.
gnomAD v4.1: 615 of 492,136 alleles (0.12%); highest among the groups gnomAD compares: African/African-American, 1.1%; 4 homozygotes.

Submissions (2):

Illumina Laboratory Services, Illumina
Classification: Benign for Dubin-Johnson syndrome. Last evaluated: 2018-01-12. Review status: criteria provided, single submitter. Criteria: ICSL Variant Classification Criteria 13 December 2019. Collection method: clinical testing. Allele origin: germline.
Comment: This variant was observed in the ICSL laboratory as part of a predisposition screen in an ostensibly healthy population. It had not been previously curated by ICSL or reported in the Human Gene Mutation Database (HGMD: prior to June 1st, 2018), and was therefore a candidate for classification through an automated scoring system. Utilizing variant allele frequency, disease prevalence and penetrance estimates, and inheritance mode, an automated score was calculated to assess if this variant is too frequent to cause the disease. Based on the score and internal cut-off values, a variant classified as benign is not then subjected to further curation. The score for this variant resulted in a classification of benign for this disease.

Breakthrough Genomics
Classification: Benign. Review status: criteria provided, single submitter. Criteria: ACMG Guidelines, 2015. Collection method: not provided. Allele origin: germline. Inheritance: Autosomal recessive inheritance. Affected: yes.